The following is an entry in ClinVar:

ClinVar aggregate classification (germline): Uncertain significance (1 of 4 stars; one submission).

gnomAD v4.1: 6 of 1,613,934 alleles (0.00037%); highest among the groups gnomAD compares: African/African-American, 0.0053%; no homozygotes.

Submission:

Labcorp Genetics (formerly Invitae), Labcorp
Classification: Uncertain significance. Last evaluated: 2023-07-29. Review status: criteria provided, single submitter. Criteria: Invitae Variant Classification Sherloc (09022015). Collection method: clinical testing. Allele origin: germline.
Comment: In summary, the available evidence is currently insufficient to determine the role of this variant in disease. Therefore, it has been classified as a Variant of Uncertain Significance. An algorithm developed to predict the effect of missense changes on protein structure and function (PolyPhen-2) suggests that this variant is likely to be tolerated. This variant has not been reported in the literature in individuals affected with MAPKBP1-related conditions. This variant is present in population databases (rs372686032, gnomAD 0.02%). This sequence change replaces leucine, which is neutral and non-polar, with phenylalanine, which is neutral and non-polar, at codon 1103 of the MAPKBP1 protein (p.Leu1103Phe).

NM_014994.3(MAPKBP1):c.3291G>T (p.Leu1097Phe)

Gene: MAPKBP1 (mitogen-activated protein kinase binding protein 1; plus strand). Cytogenetic location: 15q15.1.
Variant type: single nucleotide variant.
Coding change: c.3291G>T on transcript NM_014994.3 (MANE Select); coding-DNA position 3291, G replaced by T.
Protein change: p.Leu1097Phe; replaces leucine 1097 with phenylalanine.
Molecular consequence: missense variant. On other transcripts: non-coding transcript variant (2).
Genome position (GRCh38, 1-based): chr15:41,822,654, G>T. VCF-style: chr15-41822654-G-T. GRCh37 (hg19) VCF-style: chr15-42114852-G-T.
Other names: c.3309G>T, p.Leu1103Phe (NM_001128608.2); c.3291G>T, p.Leu1097Phe (NM_001265611.2); short protein forms L1097F, L1103F.
Identifiers: ClinVar variation 2748306 (VCV002748306.3), dbSNP rs372686032, ClinGen allele CA7498529.